The following is an entry in ClinVar:

NM_001278116.2(L1CAM):c.2078A>T (p.Asn693Ile)

Gene: L1CAM (L1 cell adhesion molecule; minus strand). Cytogenetic location: Xq28.
Variant type: single nucleotide variant.
Coding change: c.2078A>T on transcript NM_001278116.2 (MANE Select); coding-DNA position 2078, A replaced by T.
Protein change: p.Asn693Ile; replaces asparagine 693 with isoleucine.
Molecular consequence: missense variant.
Genome position (GRCh38, 1-based): chrX:153,867,415, T>A on the plus strand (A>T on the coding strand, the complement: L1CAM is on the minus strand). VCF-style: chrX-153867415-T-A. GRCh37 (hg19) VCF-style: chrX-153132870-T-A.
Other names: c.2078A>T, p.Asn693Ile (NM_000425.5, NM_024003.3); c.2063A>T, p.Asn688Ile (NM_001143963.2); short protein forms N688I, N693I.
Identifiers: ClinVar variation 1804679 (VCV001804679.6), dbSNP rs2520991055, ClinGen allele CA415121635.

ClinVar aggregate classification (germline): Uncertain significance. Review status: criteria provided, multiple submitters, no conflicts (2 of 4 stars). 2 submissions from 2 submitters: Uncertain significance (2). Last evaluated 2025-01-27.

Conditions:
Spastic paraplegia. Identifiers: MedGen C0037772, HP:0001258.

Submissions (2):

Women's Health and Genetics/Laboratory Corporation of America, LabCorp
Classification: Uncertain significance. Last evaluated: 2025-01-27. Review status: criteria provided, single submitter. Criteria: LabCorp Variant Classification Summary - May 2015. Collection method: clinical testing. Allele origin: germline.
Comment: Variant summary: L1CAM c.2078A>T (p.Asn693Ile) results in a non-conservative amino acid change located in the FN3 (IPR003961) of the encoded protein sequence. Five of five in-silico tools predict a damaging effect of the variant on protein function. The variant was absent in 183463 control chromosomes. The available data on variant occurrences in the general population are insufficient to allow any conclusion about variant significance. To our knowledge, no occurrence of c.2078A>T in individuals affected with L1 Syndrome and no experimental evidence demonstrating its impact on protein function have been reported. ClinVar contains an entry for this variant (Variation ID: 1804679). Based on the evidence outlined above, the variant was classified as uncertain significance.

Labcorp Genetics (formerly Invitae), Labcorp
Classification: Uncertain significance for Spastic paraplegia. Last evaluated: 2023-03-20. Review status: criteria provided, single submitter. Criteria: Invitae Variant Classification Sherloc (09022015). Collection method: clinical testing. Allele origin: germline.
Comment: This sequence change replaces asparagine, which is neutral and polar, with isoleucine, which is neutral and non-polar, at codon 693 of the L1CAM protein (p.Asn693Ile). This variant is not present in population databases (gnomAD no frequency). This variant has not been reported in the literature in individuals affected with L1CAM-related conditions. ClinVar contains an entry for this variant (Variation ID: 1804679). Advanced modeling of protein sequence and biophysical properties (such as structural, functional, and spatial information, amino acid conservation, physicochemical variation, residue mobility, and thermodynamic stability) performed at Invitae indicates that this missense variant is expected to disrupt L1CAM protein function. In summary, the available evidence is currently insufficient to determine the role of this variant in disease. Therefore, it has been classified as a Variant of Uncertain Significance.